The following is an entry in ClinVar:

ClinVar aggregate classification (germline): Uncertain significance (1 of 4 stars; one submission).

Allele frequency attached by ClinVar (database versions not stated): gnomAD exomes below 0.00001.
gnomAD v4.1: 1 of 1,613,988 alleles (0.000062%); highest among the groups gnomAD compares: Non-Finnish European, 0.000085%; no homozygotes.

Submission:

Labcorp Genetics (formerly Invitae), Labcorp
Classification: Uncertain significance. Last evaluated: 2022-01-01. Review status: criteria provided, single submitter. Criteria: Invitae Variant Classification Sherloc (09022015). Collection method: clinical testing. Allele origin: germline.
Comment: This sequence change replaces glutamine, which is neutral and polar, with proline, which is neutral and non-polar, at codon 955 of the MYO18B protein (p.Gln955Pro). In summary, the available evidence is currently insufficient to determine the role of this variant in disease. Therefore, it has been classified as a Variant of Uncertain Significance. Algorithms developed to predict the effect of missense changes on protein structure and function are either unavailable or do not agree on the potential impact of this missense change (SIFT: "Not Available"; PolyPhen-2: "Probably Damaging"; Align-GVGD: "Not Available"). This variant has not been reported in the literature in individuals affected with MYO18B-related conditions. This variant is present in population databases (no rsID available, gnomAD 0.0009%).

NM_032608.7(MYO18B):c.2864A>C (p.Gln955Pro)

Gene: MYO18B (myosin XVIIIB; plus strand). Cytogenetic location: 22q12.1.
Variant type: single nucleotide variant.
Coding change: c.2864A>C on transcript NM_032608.7 (MANE Select); coding-DNA position 2864, A replaced by C.
Protein change: p.Gln955Pro; replaces glutamine 955 with proline.
Molecular consequence: missense variant.
Genome position (GRCh38, 1-based): chr22:25,828,853, A>C. VCF-style: chr22-25828853-A-C. GRCh37 (hg19) VCF-style: chr22-26224820-A-C.
Other names: c.2864A>C, p.Gln955Pro (NM_001318245.2); short protein forms Q955P.
Identifiers: ClinVar variation 1378328 (VCV001378328.8), dbSNP rs1168163089, ClinGen allele CA411000382.